The following is an entry in ClinVar:

ClinVar aggregate classification (germline): Pathogenic/Likely pathogenic. Review status: criteria provided, multiple submitters, no conflicts (2 of 4 stars). 5 submissions from 5 submitters: Pathogenic (1); Likely pathogenic (3). 1 of the submissions does not count toward it. Last evaluated 2026-06-02.

Conditions:
Cardiovascular phenotype. Identifiers: MedGen CN230736.
TTN-related disorder. Also called: TTN-related disorders; TTN-related condition; TTN-related disease.
Cardiomyopathy (CMYO). Also called: Cardiomyopathies. Identifiers: Orphanet 167848, MedGen C0878544, MONDO:0004994, HP:0001638. Inheritance: Various modes of inheritance.
Primary dilated cardiomyopathy (DCM). Also called: Dilated Cardiomyopathy. Identifiers: Orphanet 217604, MedGen C0007193, MeSH D002311, MONDO:0005021, HP:0001644. Inheritance: Various modes of inheritance.

Allele frequency attached by ClinVar (database versions not stated): TOPMed 0.00001; gnomAD exomes below 0.00001; gnomAD 0.00001.

Submissions (5):

Ambry Genetics
Classification: Likely pathogenic for Cardiovascular phenotype. Last evaluated: 2026-06-02. Review status: criteria provided, single submitter. Criteria: Ambry Variant Classification Scheme 2023. Collection method: clinical testing. Allele origin: germline.
Comment: The c.30800delA variant, located in coding exon 123 of the TTN gene, results from a deletion of one nucleotide at nucleotide position 30800, causing a translational frameshift with a predicted alternate stop codon (p.H10267Pfs*18). This exon is located in the A-band region of the N2-B isoform of the titin protein and is constitutively expressed in TTN transcripts (percent spliced in or PSI 100%). This variant was reported in individual(s) with features consistent with TTN-related dilated cardiomyopathy (Pugh TJ et al. Genet Med, 2014 Aug;16:601-8; Lazarte J et al. Europace, 2021 Jun;23:844-850). Note, this variant is also referred to as c.57995delA (p.H19332Pfs*18) in the literature. This variant is expected to result in loss of function by premature protein truncation or nonsense-mediated mRNA decay. While truncating variants in TTN are present in 1-3% of the general population, truncating variants in the A-band are the most common cause of dilated cardiomyopathy (Herman DS et al. N. Engl. J. Med., 2012 Feb;366:619-28; Roberts AM et al. Sci Transl Med, 2015 Jan;7:270ra6). TTN truncating variants encoded in constitutive exons (PSI >90%) have been found to be significantly associated with DCM regardless of their position in titin (Schafer S et al. Nat. Genet., 2017 01;49:46-53; Akhtar MM et al. Circ Heart Fail, 2020 Oct;13:e006832; Massier M et al. Clin Genet, 2025 Jan). This variant is considered to be rare based on population cohorts in the Genome Aggregation Database (gnomAD). Based on the majority of available evidence to date, this variant is likely to be pathogenic.

GeneDx
Classification: Likely pathogenic. Last evaluated: 2025-02-11. Review status: criteria provided, single submitter. Criteria: GeneDx Variant Classification Process June 2021. Collection method: clinical testing. Allele origin: germline. Affected: yes.
Comment: Frameshift variant predicted to result in protein truncation or nonsense mediated decay in a gene for which loss of function is a known mechanism of disease; Located in the A-band, a region of TTN for which truncating variants are significantly associated with autosomal dominant cardiomyopathy and also with autosomal recessive skeletal myopathies (PMID: 22335739, 32778822); Not observed at significant frequency in large population cohorts (gnomAD); Reported in individuals with dilated cardiomyopathy (PMID: 24503780); This variant is associated with the following publications: (PMID: 38438525, 37652022, 35177841, 22335739, 32778822, 24503780)

Blueprint Genetics
Classification: Pathogenic for TTN-related disorders. Last evaluated: 2023-08-17. Review status: criteria provided, single submitter. Criteria: ACMG Guidelines, 2015. Collection method: clinical testing. Allele origin: germline. Affected: yes. Observed: 1 variant allele.

CHEO Genetics Diagnostic Laboratory, Children's Hospital of Eastern Ontario
Classification: Likely pathogenic for Cardiomyopathy. Last evaluated: 2020-01-21. Review status: criteria provided, single submitter. Criteria: ACMG Guidelines, 2015. Collection method: clinical testing. Allele origin: germline.

Laboratory for Molecular Medicine, Mass General Brigham Personalized Medicine
Classification: Likely pathogenic for Primary dilated cardiomyopathy. Last evaluated: 2013-02-07. Review status: no assertion criteria provided. Collection method: clinical testing. Allele origin: germline. Observed: 6 variant alleles. Not counted in ClinVar's aggregate classification.
Comment: The His16764fs variant in TTN has not been reported in the literature, but has b een identified by our laboratory in 3 individuals with DCM, who each carried add itional variants of unknown significance. In 1 family, the variant segregated wi th disease in 2 affected relatives (1 with AF, 1 with DCM). This variant is pred icted to cause a frameshift, which alters the protein's amino acid sequence begi nning at codon 16764 and leads to a premature stop codon 18 amino acids downstre am. This alteration is then predicted to lead to a truncated or absent protein ( loss of function). Truncating variants in the TTN gene are strongly associated w ith DCM (Herman 2012). In summary, this variant is likely to be pathogenic, thou gh additional studies are needed to establish this with certainty.

Literature cited by the submitters: PubMed 24503780 (cited by Ambry Genetics); PubMed 33682005 (cited by Ambry Genetics).

NM_001267550.2(TTN):c.57995del (p.His19332fs)

Genes: TTN-AS1 (TTN antisense RNA 1; plus strand), TTN (titin; minus strand). Cytogenetic location: 2q31.2.
Variant type: Deletion.
Coding change: c.57995del on transcript NM_001267550.2 (MANE Select); coding-DNA position 57995, one base deleted (A; older notation c.57995delA).
Protein change: p.His19332fs; shifts the reading frame from histidine 19332.
Molecular consequence: frameshift variant.
Genome position (GRCh38, 1-based): chr2:178,594,499, T deleted on the plus strand (A on the coding strand, the reverse complement: TTN is on the minus strand). VCF-style (leftmost placement, unchanged base first): chr2-178594498-GT-G. GRCh37 (hg19) VCF-style: chr2-179459225-GT-G.
Other names: c.50291delA (NM_133378.4); c.53072del, p.His17691fs (NM_001256850.1); c.30800del, p.His10267fs (NM_003319.4); c.50291del, p.His16764fs (NM_133378.4); c.31175del, p.His10392fs (NM_133432.3); c.31376del, p.His10459fs (NM_133437.4); c.53072delA (NM_001256850.1); c.57995del (NM_001267550.1); and 1 more; short protein forms H10459fs, H10267fs, H10392fs, H16764fs, H17691fs, H19332fs.
Identifiers: ClinVar variation 47131 (VCV000047131.11), dbSNP rs397517633, ClinGen allele CA261889.